The following is an entry in ClinVar:

ClinVar aggregate classification (germline): Uncertain significance (1 of 4 stars; one submission).

Conditions:
Cardiovascular phenotype. Identifiers: MedGen CN230736.

gnomAD v4.1: 7 of 1,613,804 alleles (0.00043%); highest among the groups gnomAD compares: East Asian, 0.0045%; no homozygotes.

Submission:

Ambry Genetics
Classification: Uncertain significance for Cardiovascular phenotype. Last evaluated: 2026-04-27. Review status: criteria provided, single submitter. Criteria: Ambry Variant Classification Scheme 2023. Collection method: clinical testing. Allele origin: germline.
Comment: The p.R3134C variant (also known as c.9400C>T), located in coding exon 26 of the TNXB gene, results from a C to T substitution at nucleotide position 9400. The arginine at codon 3134 is replaced by cysteine, an amino acid with highly dissimilar properties. This amino acid position is conserved. In addition, this alteration is predicted to be tolerated by in silico analysis. Based on the available evidence, the clinical significance of this variant remains unclear.

NM_001365276.2(TNXB):c.9406C>T (p.Arg3136Cys)

Gene: TNXB (tenascin XB; minus strand). Cytogenetic location: 6p21.33.
Variant type: single nucleotide variant.
Coding change: c.9406C>T on transcript NM_001365276.2 (MANE Select); coding-DNA position 9406, C replaced by T.
Protein change: p.Arg3136Cys; replaces arginine 3136 with cysteine.
Molecular consequence: missense variant.
Genome position (GRCh38, 1-based): chr6:32,050,031, G>A on the plus strand (C>T on the coding strand, the complement: TNXB is on the minus strand). VCF-style: chr6-32050031-G-A. GRCh37 (hg19) VCF-style: chr6-32017808-G-A.
Other names: c.10147C>T, p.Arg3383Cys (NM_001428335.1); c.9400C>T, p.Arg3134Cys (NM_019105.8); short protein forms R3134C, R3136C, R3383C.
Identifiers: ClinVar variation 4865800 (VCV004865800.1).